The following is an entry in ClinVar:

NM_033004.4(NLRP1):c.2534C>T (p.Ala845Val)

Gene: NLRP1 (NLR family pyrin domain containing 1; minus strand). Cytogenetic location: 17p13.2.
Variant type: single nucleotide variant.
Coding change: c.2534C>T on transcript NM_033004.4 (MANE Select); coding-DNA position 2534, C replaced by T.
Protein change: p.Ala845Val; replaces alanine 845 with valine.
Molecular consequence: missense variant.
Genome position (GRCh38, 1-based): chr17:5,542,022, G>A on the plus strand (C>T on the coding strand, the complement: NLRP1 is on the minus strand). VCF-style: chr17-5542022-G-A. GRCh37 (hg19) VCF-style: chr17-5445342-G-A.
Other names: c.2534C>T, p.Ala845Val (NM_001033053.3, NM_014922.5, NM_033006.4 and 1 more transcripts); short protein forms A845V.
Identifiers: ClinVar variation 3696640 (VCV003696640.2).

ClinVar aggregate classification (germline): Uncertain significance (1 of 4 stars; one submission).

gnomAD v4.1: 3 of 1,612,738 alleles (0.00019%); highest among the groups gnomAD compares: Non-Finnish European, 0.00025%; no homozygotes.

Submission:

Labcorp Genetics (formerly Invitae), Labcorp
Classification: Uncertain significance. Last evaluated: 2025-12-22. Review status: criteria provided, single submitter. Criteria: Invitae Variant Classification Sherloc (09022015). Collection method: clinical testing. Allele origin: germline.
Comment: This sequence change replaces alanine, which is neutral and non-polar, with valine, which is neutral and non-polar, at codon 845 of the NLRP1 protein (p.Ala845Val). The frequency data for this variant in the population databases is considered unreliable, as metrics indicate poor data quality at this position in the gnomAD database. This variant has not been reported in the literature in individuals affected with NLRP1-related conditions. ClinVar contains an entry for this variant (Variation ID: 3696640). An algorithm developed to predict the effect of missense changes on protein structure and function outputs the following: PolyPhen-2: "Possibly Damaging". The valine amino acid residue is found in multiple mammalian species, which suggests that this missense change does not adversely affect protein function. In summary, the available evidence is currently insufficient to determine the role of this variant in disease. Therefore, it has been classified as a Variant of Uncertain Significance.